The following is an entry in ClinVar:

NM_001184.4(ATR):c.3584C>T (p.Ala1195Val)

Gene: ATR (ATR checkpoint kinase; minus strand). Cytogenetic location: 3q23.
Variant type: single nucleotide variant.
Coding change: c.3584C>T on transcript NM_001184.4 (MANE Select); coding-DNA position 3584, C replaced by T.
Protein change: p.Ala1195Val; replaces alanine 1195 with valine.
Molecular consequence: missense variant.
Genome position (GRCh38, 1-based): chr3:142,538,623, G>A on the plus strand (C>T on the coding strand, the complement: ATR is on the minus strand). VCF-style: chr3-142538623-G-A. GRCh37 (hg19) VCF-style: chr3-142257465-G-A.
Other names: c.3392C>T, p.Ala1131Val (NM_001354579.2); short protein forms A1195V, A1131V.
Identifiers: ClinVar variation 1437555 (VCV001437555.10), dbSNP rs1389009165, ClinGen allele CA354807666.

ClinVar aggregate classification (germline): Uncertain significance. Review status: criteria provided, multiple submitters, no conflicts (2 of 4 stars). 4 submissions from 3 submitters: Uncertain significance (4). Last evaluated 2024-10-29.

Conditions:
Seckel syndrome 1 (SCKL1). Also called: MICROCEPHALIC PRIMORDIAL DWARFISM I. Identifiers: Orphanet 808, MedGen C4551474, MONDO:0008869, OMIM 210600.
Inborn genetic diseases. Identifiers: MedGen C0950123, MeSH D030342.
Familial cutaneous telangiectasia and oropharyngeal predisposition cancer syndrome. Identifiers: Orphanet 313846, MedGen C3281203, MONDO:0013806, OMIM 614564.

Allele frequency attached by ClinVar (database versions not stated): gnomAD exomes below 0.00001 and 0.00005; TOPMed below 0.00001; gnomAD 0.00001.
gnomAD v4.1: 72 of 1,613,144 alleles (0.0045%); highest among the groups gnomAD compares: Non-Finnish European, 0.006%; no homozygotes.

Submissions (4):

Labcorp Genetics (formerly Invitae), Labcorp
Classification: Uncertain significance. Last evaluated: 2024-10-29. Review status: criteria provided, single submitter. Criteria: Invitae Variant Classification Sherloc (09022015). Collection method: clinical testing. Allele origin: germline.
Comment: This sequence change replaces alanine, which is neutral and non-polar, with valine, which is neutral and non-polar, at codon 1195 of the ATR protein (p.Ala1195Val). This variant is present in population databases (no rsID available, gnomAD 0.0009%). This variant has not been reported in the literature in individuals affected with ATR-related conditions. ClinVar contains an entry for this variant (Variation ID: 1437555). An algorithm developed to predict the effect of missense changes on protein structure and function (PolyPhen-2) suggests that this variant is likely to be tolerated. In summary, the available evidence is currently insufficient to determine the role of this variant in disease. Therefore, it has been classified as a Variant of Uncertain Significance.

Genome-Nilou Lab
Classification: Uncertain significance for Seckel syndrome 1. Last evaluated: 2023-02-08. Review status: criteria provided, single submitter. Criteria: ACMG Guidelines, 2015. Collection method: clinical testing. Allele origin: germline.

Genome-Nilou Lab
Classification: Uncertain significance for Familial cutaneous telangiectasia and oropharyngeal predisposition cancer syndrome. Last evaluated: 2023-02-08. Review status: criteria provided, single submitter. Criteria: ACMG Guidelines, 2015. Collection method: clinical testing. Allele origin: germline.

Ambry Genetics
Classification: Uncertain significance for Inborn genetic diseases. Last evaluated: 2021-10-16. Review status: criteria provided, single submitter. Criteria: Ambry Variant Classification Scheme 2023. Collection method: clinical testing. Allele origin: germline.
Comment: The p.A1195V variant (also known as c.3584C>T), located in coding exon 19 of the ATR gene, results from a C to T substitution at nucleotide position 3584. The alanine at codon 1195 is replaced by valine, an amino acid with similar properties. This amino acid position is conserved. In addition, this alteration is predicted to be tolerated by in silico analysis. Since supporting evidence is limited at this time, the clinical significance of this alteration remains unclear.